The following is an entry in ClinVar:

NM_001006658.3(CR2):c.3244_3245del (p.Val1082fs)

Gene: CR2 (complement C3d receptor 2; plus strand). Cytogenetic location: 1q32.2.
Variant type: Deletion.
Coding change: c.3244_3245del on transcript NM_001006658.3 (MANE Select); coding-DNA positions 3244 to 3245, 2 bases deleted (GT; older notation c.3244_3245delGT).
Protein change: p.Val1082fs; shifts the reading frame from valine 1082.
Molecular consequence: frameshift variant.
Genome position (GRCh38, 1-based): chr1:207,485,519-207,485,520, GT deleted. VCF-style (leftmost placement, unchanged base first): chr1-207485518-AGT-A. GRCh37 (hg19) VCF-style: chr1-207658863-AGT-A.
Other names: c.3067_3068del, p.Val1023fs (NM_001877.5); short protein forms V1082fs, V1023fs.
Identifiers: ClinVar variation 1039219 (VCV001039219.5), dbSNP rs775594743, ClinGen allele CA1369200.

ClinVar aggregate classification (germline): Uncertain significance. Review status: criteria provided, multiple submitters, no conflicts (2 of 4 stars). 3 submissions from 3 submitters: Uncertain significance (3). Last evaluated 2023-04-11.

Conditions:
Immunodeficiency, common variable, 7. Identifiers: Orphanet 1572, Orphanet 696894, MedGen C3542922, MONDO:0013862, OMIM 614699.
Systemic lupus erythematosus, susceptibility to, 9. Also called: Systemic lupus erythematosus 9. Identifiers: MedGen C1970455, MONDO:0012584, OMIM 610927.
Immunodeficiency, common variable, 2 (CVID2). Also called: HYPOGAMMAGLOBULINEMIA DUE TO TACI DEFICIENCY; ANTIBODY DEFICIENCY DUE TO TACI DEFECT. Identifiers: Orphanet 1572, MedGen C3150354, MONDO:0009413, OMIM 240500.

Allele frequency attached by ClinVar (database versions not stated): gnomAD exomes 0.00004 and 0.00017; gnomAD 0.00005; TOPMed 0.00005; ExAC 0.00006; ESP Exome Variant Server 0.00016.

Submissions (3):

Genome-Nilou Lab
Classification: Uncertain significance for Immunodeficiency, common variable, 7. Last evaluated: 2023-04-11. Review status: criteria provided, single submitter. Criteria: ACMG Guidelines, 2015. Collection method: clinical testing. Allele origin: germline. Affected: no.

Fulgent Genetics
Classification: Uncertain significance for Immunodeficiency, common variable, 2; Systemic lupus erythematosus, susceptibility to, 9; Immunodeficiency, common variable, 7. Last evaluated: 2022-04-11. Review status: criteria provided, single submitter. Criteria: ACMG Guidelines, 2015. Collection method: clinical testing. Allele origin: unknown.

Labcorp Genetics (formerly Invitae), Labcorp
Classification: Uncertain significance for Immunodeficiency, common variable, 7. Last evaluated: 2021-08-09. Review status: criteria provided, single submitter. Criteria: Invitae Variant Classification Sherloc (09022015). Collection method: clinical testing. Allele origin: germline.
Comment: This sequence change results in a premature translational stop signal in the CR2 gene (p.Val1082Ilefs*4). While this is not anticipated to result in nonsense mediated decay, it is expected to disrupt the last 11 amino acids of the CR2 protein. This variant is present in population databases (rs775594743, ExAC 0.01%). This variant has not been reported in the literature in individuals with CR2-related conditions. Experimental studies and prediction algorithms are not available or were not evaluated, and the functional significance of this variant is currently unknown. In summary, the available evidence is currently insufficient to determine the role of this variant in disease. Therefore, it has been classified as a Variant of Uncertain Significance.